The following is an entry in ClinVar:

NM_032043.3(BRIP1):c.840del (p.His281fs)

Gene: BRIP1 (BRCA1 interacting DNA helicase 1; minus strand). Cytogenetic location: 17q23.2.
Variant type: Deletion.
Coding change: c.840del on transcript NM_032043.3 (MANE Select); coding-DNA position 840, one base deleted (T; older notation c.840delT).
Protein change: p.His281fs; shifts the reading frame from histidine 281.
Molecular consequence: frameshift variant.
Genome position (GRCh38, 1-based): chr17:61,808,545, A deleted on the plus strand (T on the coding strand, the reverse complement: BRIP1 is on the minus strand). VCF-style (leftmost placement, unchanged base first): chr17-61808544-GA-G. GRCh37 (hg19) VCF-style: chr17-59885905-GA-G.
Other names: c.840delT (NM_032043.2).
Identifiers: ClinVar variation 461050 (VCV000461050.20), dbSNP rs1555609191, ClinGen allele CA658658678.

ClinVar aggregate classification (germline): Pathogenic. Review status: criteria provided, multiple submitters, no conflicts (2 of 4 stars). 7 submissions from 7 submitters: Pathogenic (6). 1 of the submissions does not count toward it. Last evaluated 2025-07-29.

Conditions:
Familial cancer of breast. Also called: hereditary breast carcinoma; BREAST CANCER, FAMILIAL; Hereditary breast cancer. Identifiers: Orphanet 227535, MedGen C0346153, MONDO:0016419, OMIM 114480. Disease mechanism: loss of function.
Fanconi anemia complementation group J. Also called: BRIP1-Related Fanconi Anemia. Identifiers: Orphanet 84, MedGen C1836860, MONDO:0012187, OMIM 609054.
Ovarian cancer. Also called: OVARIAN CANCER, SOMATIC. Identifiers: Orphanet 213500, MedGen C1140680, MONDO:0008170, OMIM 167000.
Hereditary cancer-predisposing syndrome. Also called: Neoplastic Syndromes, Hereditary; Hereditary neoplastic syndrome; Tumor predisposition; Hereditary Cancer Syndrome. Identifiers: Orphanet 140162, MedGen C0027672, MeSH D009386, MONDO:0015356.
Breast-ovarian cancer, familial, susceptibility to, 1 (BROVCA1). Also called: BRCA1 Hereditary Breast and Ovarian Cancer; OVARIAN CANCER, SUSCEPTIBILITY TO. Identifiers: Orphanet 145, MedGen C2676676, MONDO:0011450, OMIM 604370. Disease mechanism: loss of function.

Submissions (7):

Institute of Immunology and Genetics Kaiserslautern
Classification: Pathogenic for Breast-ovarian cancer, familial, susceptibility to, 1. Last evaluated: 2025-07-29. Review status: criteria provided, single submitter. Criteria: ACMG Guidelines, 2015. Collection method: clinical testing. Allele origin: germline. Affected: yes.
Comment: ACMG Criteria: PVS1, PM2, PP5.

Labcorp Genetics (formerly Invitae), Labcorp
Classification: Pathogenic for Familial cancer of breast; Fanconi anemia complementation group J. Last evaluated: 2025-07-08. Review status: criteria provided, single submitter. Criteria: Invitae Variant Classification Sherloc (09022015). Collection method: clinical testing. Allele origin: germline.
Comment: This sequence change creates a premature translational stop signal (p.His281Ilefs*8) in the BRIP1 gene. It is expected to result in an absent or disrupted protein product. Loss-of-function variants in BRIP1 are known to be pathogenic (PMID: 16116423, 17033622, 21964575). This variant is not present in population databases (gnomAD no frequency). This premature translational stop signal has been observed in individual(s) with Colorectal Cancer (PMID: 29478780). ClinVar contains an entry for this variant (Variation ID: 461050). For these reasons, this variant has been classified as Pathogenic.

Institute of Human Genetics, University of Leipzig Medical Center
Classification: Pathogenic for Breast-ovarian cancer, familial, susceptibility to, 1. Last evaluated: 2024-05-14. Review status: criteria provided, single submitter. Criteria: ACMG Guidelines, 2015. Collection method: clinical testing. Allele origin: unknown. Inheritance: Autosomal dominant inheritance. Affected: yes.
Comment: Criteria applied: PVS1,PS4_MOD,PM2_SUP

Myriad Genetics, Inc.
Classification: Pathogenic for Familial cancer of breast. Last evaluated: 2023-02-27. Review status: criteria provided, single submitter. Criteria: Myriad Autosomal Dominant, Autosomal Recessive and X-Linked Classification Criteria (2023). Collection method: clinical testing. Allele origin: unknown.
Comment: This variant is considered pathogenic. This variant creates a frameshift predicted to result in premature protein truncation.

Ambry Genetics
Classification: Pathogenic for Hereditary cancer-predisposing syndrome. Last evaluated: 2021-04-15. Review status: criteria provided, single submitter. Criteria: Ambry Variant Classification Scheme 2023. Collection method: clinical testing. Allele origin: germline.
Comment: The c.840delT pathogenic mutation, located in coding exon 6 of the BRIP1 gene, results from a deletion of one nucleotide at nucleotide position 840, causing a translational frameshift with a predicted alternate stop codon (p.H281Ifs*8). This alteration is expected to result in loss of function by premature protein truncation or nonsense-mediated mRNA decay. As such, this alteration is interpreted as a disease-causing mutation.

Color Diagnostics, LLC DBA Color Health
Classification: Pathogenic for Hereditary cancer-predisposing syndrome. Last evaluated: 2020-01-15. Review status: criteria provided, single submitter. Criteria: ACMG Guidelines, 2015. Collection method: clinical testing. Allele origin: germline.
Comment: This variant deletes 1 nucleotide in exon 7 of the BRIP1 gene, creating a frameshift and premature translation stop signal. This variant is expected to result in an absent or non-functional protein product. This variant has not been identified in the general population by the Genome Aggregation Database (gnomAD). Loss of BRIP1 function is a known mechanism of disease. Based on the available evidence, this variant is classified as Pathogenic.

Counsyl
Classification: Likely pathogenic for Fanconi anemia complementation group J; Ovarian cancer. Last evaluated: 2018-04-06. Review status: no assertion criteria provided. Collection method: clinical testing. Allele origin: unknown. Not counted in ClinVar's aggregate classification.

Literature cited by the submitters: PubMed 16116423 (cited by Labcorp Genetics (formerly Invitae), Labcorp); PubMed 17033622 (cited by Labcorp Genetics (formerly Invitae), Labcorp); PubMed 21964575 (cited by Labcorp Genetics (formerly Invitae), Labcorp); PubMed 29478780 (cited by Labcorp Genetics (formerly Invitae), Labcorp).